The following is an entry in ClinVar:

NM_201384.3(PLEC):c.4201GTG[1] (p.Val1402del)

Gene: PLEC (plectin; minus strand). Cytogenetic location: 8q24.3.
Variant type: Microsatellite.
Coding change: c.4201GTG[1] on transcript NM_201384.3 (MANE Select); one copy of the 3-base unit GTG starting at c.4201; the reference has two copies in a row; one copy, 3 bases deleted.
Protein change: p.Val1402del; deletes valine 1402.
Molecular consequence: inframe deletion. On other transcripts: intron variant (1).
Genome position (GRCh38, 1-based): chr8:143,925,723-143,925,725, CAC deleted on the plus strand (GTG on the coding strand, the reverse complement: PLEC is on the minus strand); deleting any 3 consecutive bases within chr8:143,925,723-143,925,729 gives the same sequence; the position shown is the placement nearest the transcript's 3' end. VCF-style (leftmost placement, unchanged base first): chr8-143925722-GCAC-G. GRCh37 (hg19) VCF-style: chr8-144999890-GCAC-G.
Other names: c.4282GTG[1], p.Val1429del (NM_000445.5); c.4159GTG[1], p.Val1388del (NM_201378.4); c.4135GTG[1], p.Val1380del (NM_201379.3); c.4612GTG[1], p.Val1539del (NM_201380.4); c.4105GTG[1], p.Val1370del (NM_201381.3); c.4201GTG[1], p.Val1402del (NM_201382.4); c.4213GTG[1], p.Val1406del (NM_201383.3); c.4125+1059_4125+1061del (NM_001410941.1); short protein forms V1370del, V1380del, V1388del, V1402del, V1406del, V1429del, V1539del.
Identifiers: ClinVar variation 2658952 (VCV002658952.24), dbSNP rs2538097502, ClinGen allele CA2695201534.

ClinVar aggregate classification (germline): Uncertain significance (1 of 4 stars; one submission).

Submission:

CeGaT Center for Human Genetics Tuebingen
Classification: Uncertain significance. Last evaluated: 2022-05-01. Review status: criteria provided, single submitter. Criteria: CeGaT Center For Human Genetics Tuebingen Variant Classification Criteria Version 2. Collection method: clinical testing. Allele origin: germline. Affected: yes. Observed: 1 variant allele.
Comment: PLEC: PM2, PM4